The following is an entry in ClinVar:

NM_000569.8(FCGR3A):c.96T>C (p.Pro32=)

Gene: FCGR3A (Fc gamma receptor IIIa; minus strand). Cytogenetic location: 1q23.3.
Variant type: single nucleotide variant.
Coding change: c.96T>C on transcript NM_000569.8 (MANE Select); coding-DNA position 96, T replaced by C.
Protein change: p.Pro32=; no amino-acid change (proline 32 retained).
Molecular consequence: synonymous variant.
Genome position (GRCh38, 1-based): chr1:161,548,644, A>G on the plus strand (T>C on the coding strand, the complement: FCGR3A is on the minus strand). VCF-style: chr1-161548644-A-G. GRCh37 (hg19) VCF-style: chr1-161518434-A-G.
Other names: c.408T>C, p.Pro136= (NM_001127592.2); c.96T>C, p.Pro32= (NM_001127593.1, NM_001127595.2, NM_001329120.2); c.93T>C, p.Pro31= (NM_001127596.2, NM_001386450.1); c.411T>C, p.Pro137= (NM_001329122.1).
Identifiers: ClinVar variation 626106 (VCV000626106.2), dbSNP rs769001959, ClinGen allele CA1211543.

ClinVar aggregate classification (germline): Uncertain significance (1 of 4 stars; one submission).

Conditions:
Autosomal recessive primary immunodeficiency with defective spontaneous natural killer cell cytotoxicity. Also called: Immunodeficiency 20. Identifiers: Orphanet 437552, MedGen C3810342, MONDO:0014313, OMIM 615707.

Allele frequency attached by ClinVar (database versions not stated): ExAC 0.00001; gnomAD exomes 0.00001.

Submission:

Center for Genomics, Ann and Robert H. Lurie Children's Hospital of Chicago
Classification: Uncertain significance for Autosomal recessive primary immunodeficiency with defective spontaneous natural killer cell cytotoxicity. Last evaluated: 2021-03-30. Review status: criteria provided, single submitter. Criteria: ACMG Guidelines, 2015. Collection method: clinical testing. Allele origin: germline.
Comment: FCGR3A NM_001127593.1 exon 4 p.Pro32= (c.96T>C): This variant has not been reported in the literature but is present in 2/111366 European alleles in the Genome Aggregation Database. Evolutionary conservation and computational predictive tools for this variant are limited or unavailable. Of note, this variant is a silent variant and does not change the amino acid, reducing the probability that this variant is disease causing. In summary, data on this variant is insufficient for disease classification. Therefore, the clinical significance of this variant is uncertain.